The following is an entry in ClinVar:

ClinVar aggregate classification (germline): Uncertain significance (1 of 4 stars; one submission).

Submission:

Labcorp Genetics (formerly Invitae), Labcorp
Classification: Uncertain significance. Last evaluated: 2024-01-29. Review status: criteria provided, single submitter. Criteria: Invitae Variant Classification Sherloc (09022015). Collection method: clinical testing. Allele origin: germline.
Comment: This sequence change replaces isoleucine, which is neutral and non-polar, with threonine, which is neutral and polar, at codon 701 of the PLG protein (p.Ile701Thr). This variant is not present in population databases (gnomAD no frequency). This variant has not been reported in the literature in individuals affected with PLG-related conditions. Advanced modeling of protein sequence and biophysical properties (such as structural, functional, and spatial information, amino acid conservation, physicochemical variation, residue mobility, and thermodynamic stability) performed at Invitae indicates that this missense variant is not expected to disrupt PLG protein function with a negative predictive value of 80%. In summary, the available evidence is currently insufficient to determine the role of this variant in disease. Therefore, it has been classified as a Variant of Uncertain Significance.

NM_000301.5(PLG):c.2102T>C (p.Ile701Thr)

Gene: PLG (plasminogen; plus strand). Cytogenetic location: 6q26.
Variant type: single nucleotide variant.
Coding change: c.2102T>C on transcript NM_000301.5 (MANE Select); coding-DNA position 2102, T replaced by C.
Protein change: p.Ile701Thr; replaces isoleucine 701 with threonine.
Molecular consequence: missense variant.
Genome position (GRCh38, 1-based): chr6:160,741,394, T>C. VCF-style: chr6-160741394-T-C. GRCh37 (hg19) VCF-style: chr6-161162426-T-C.
Other names: short protein forms I701T.
Identifiers: ClinVar variation 3637440 (VCV003637440.2).
Genomic context (GRCh38, chr6:160,741,394, plus strand): 5'-TAATCCCAGCTTGTCTGCCATCCCCAAATTATGTGGTCGCTGACCGGACCGAATGTTTCA[T>C]CACTGGCTGGGGAGAAACCCAAGGTGAGATAAATTCCATTGCCCACATAACGAATTGGTT-3'
Protein context (NP_000292.1, residues 691-711): YVVADRTECF[Ile701Thr]TGWGETQGTF